The following is an entry in ClinVar:

NM_001397406.1(FDX2):c.109dup (p.Val37fs)

Genes: FDX2 (ferredoxin 2; minus strand), FDX2-ZGLP1 (FDX2-ZGLP1 readthrough (NMD candidate); minus strand). Cytogenetic location: 19p13.2.
Variant type: Duplication.
Coding change: c.109dup on transcript NM_001397406.1 (MANE Select); coding-DNA position 109, one base duplicated (G; older notation c.109dupG).
Protein change: p.Val37fs; shifts the reading frame from valine 37.
Molecular consequence: frameshift variant.
Genome position (GRCh38, 1-based): chr19:10,315,888, C duplicated on the plus strand (G on the coding strand, the reverse complement: FDX2 is on the minus strand); the first of 5 consecutive C bases (chr19:10,315,888-10,315,892); duplicating any one gives the same sequence. VCF-style (leftmost placement, unchanged base first): chr19-10315887-A-AC. GRCh37 (hg19) VCF-style: chr19-10426563-A-AC.
Other names: c.114dup, p.Val40Glyfs (NM_001031734.4); short protein forms V37fs.
Identifiers: ClinVar variation 1991804 (VCV001991804.3), dbSNP rs770684016, ClinGen allele CA9191350.

ClinVar aggregate classification (germline): Uncertain significance. Review status: criteria provided, multiple submitters, no conflicts (2 of 4 stars). 2 submissions from 2 submitters: Uncertain significance (2). Last evaluated 2025-07-28.

Submissions (2):

Labcorp Genetics (formerly Invitae), Labcorp
Classification: Uncertain significance. Last evaluated: 2025-07-28. Review status: criteria provided, single submitter. Criteria: Invitae Variant Classification Sherloc (09022015). Collection method: clinical testing. Allele origin: germline.
Comment: This sequence change creates a premature translational stop signal (p.Val40Glyfs*70) in the FDX2 gene. It is expected to result in an absent or disrupted protein product. However, the current clinical and genetic evidence is not sufficient to establish whether loss-of-function variants in FDX2 cause disease. This variant is present in population databases (rs770684016, gnomAD 0.004%). This variant has not been reported in the literature in individuals affected with FDX2-related conditions. ClinVar contains an entry for this variant (Variation ID: 1991804). Experimental studies and prediction algorithms are not available or were not evaluated, and the functional significance of this variant is currently unknown. In summary, the available evidence is currently insufficient to determine the role of this variant in disease. Therefore, it has been classified as a Variant of Uncertain Significance.

Blueprint Genetics
Classification: Uncertain significance. Last evaluated: 2023-06-05. Review status: criteria provided, single submitter. Criteria: ACMG Guidelines, 2015. Collection method: clinical testing. Allele origin: germline.